The following is an entry in ClinVar:

NM_032551.5(KISS1R):c.1153G>C (p.Ala385Pro)

Gene: KISS1R (KISS1 receptor; plus strand). Cytogenetic location: 19p13.3.
Variant type: single nucleotide variant.
Coding change: c.1153G>C on transcript NM_032551.5 (MANE Select); coding-DNA position 1153, G replaced by C.
Protein change: p.Ala385Pro; replaces alanine 385 with proline.
Molecular consequence: missense variant.
Genome position (GRCh38, 1-based): chr19:920,704, G>C. VCF-style: chr19-920704-G-C. GRCh37 (hg19) VCF-style: chr19-920704-G-C.
Other names: short protein forms A385P.
Identifiers: ClinVar variation 4805818 (VCV004805818.1).
Genomic context (GRCh38, chr19:920,704, plus strand): 5'-CGCCTGGGGTCCCACCCGGCCCCCGCCAGGGCGCAGAAGCCAGGGAGCAGTGGGCTGGCC[G>C]CGCGCGGGCTGTGCGTCCTGGGGGAGGACAACGCCCCTCTCTGAGCGGACCCGGTGGGAA-3'
Protein context (NP_115940.2, residues 375-395): AQKPGSSGLA[Ala385Pro]RGLCVLGEDN

ClinVar aggregate classification (germline): Uncertain significance (1 of 4 stars; one submission).

Submission:

Labcorp Genetics (formerly Invitae), Labcorp
Classification: Uncertain significance. Last evaluated: 2025-04-13. Review status: criteria provided, single submitter. Criteria: Invitae Variant Classification Sherloc (09022015). Collection method: clinical testing. Allele origin: germline.
Comment: This sequence change replaces alanine, which is neutral and non-polar, with proline, which is neutral and non-polar, at codon 385 of the KISS1R protein (p.Ala385Pro). This variant is present in population databases (rs748258240, gnomAD 0.003%). This variant has not been reported in the literature in individuals affected with KISS1R-related conditions. An algorithm developed to predict the effect of missense changes on protein structure and function outputs the following: PolyPhen-2: "Benign". The proline amino acid residue is found in multiple mammalian species, which suggests that this missense change does not adversely affect protein function. In summary, the available evidence is currently insufficient to determine the role of this variant in disease. Therefore, it has been classified as a Variant of Uncertain Significance.